The following is an entry in ClinVar:

NM_001267550.2(TTN):c.95370_95387del (p.Gly31791_Ser31796del)

Genes: TTN (titin; minus strand), TTN-AS1 (TTN antisense RNA 1; plus strand). Cytogenetic location: 2q31.2.
Variant type: Deletion.
Coding change: c.95370_95387del on transcript NM_001267550.2 (MANE Select); coding-DNA positions 95370 to 95387, 18 bases deleted (TGGTGTGCCTGTTGAATC).
Protein change: p.Gly31791_Ser31796del.
Molecular consequence: inframe deletion.
Genome position (GRCh38, 1-based): chr2:178,545,849-178,545,866, GATTCAACAGGCACACCA deleted on the plus strand (TGGTGTGCCTGTTGAATC on the coding strand, the reverse complement: TTN is on the minus strand); deleting any 18 consecutive bases within chr2:178,545,849-178,545,867 gives the same sequence; the c. name uses the placement nearest the transcript's 3' end. VCF-style (leftmost placement, unchanged base first): chr2-178545848-TGATTCAACAGGCACACCA-T. GRCh37 (hg19) VCF-style: chr2-179410575-TGATTCAACAGGCACACCA-T.
Other names: c.90447_90464del, p.Gly30150_Ser30155del (NM_001256850.1); c.68175_68192del, p.Gly22726_Ser22731del (NM_003319.4); c.87666_87683del, p.Gly29223_Ser29228del (NM_133378.4); c.68550_68567del, p.Gly22851_Ser22856del (NM_133432.3); c.68751_68768del, p.Gly22918_Ser22923del (NM_133437.4).
Identifiers: ClinVar variation 2940759 (VCV002940759.3), dbSNP rs2469024018, ClinGen allele CA2740095975.
Genomic context (GRCh38, chr2:178,545,848, plus strand): 5'-CTGTCAAATTATTTAAAAGTGTTAATACTTACTGAATGAGTTTCTGGCTACAATTGGCTC[TGATTCAACAGGCACACCA>T]GGGCCATATTTGTTTACTGCCCTCACTCGGAATATGTACTCATTGTTCTTGATGAGCCTG-3'

ClinVar aggregate classification (germline): Pathogenic (1 of 4 stars; one submission).

Conditions:
Dilated cardiomyopathy 1G (CMD1G). Identifiers: Orphanet 154, MedGen C1858763, MONDO:0011400, OMIM 604145.
Autosomal recessive limb-girdle muscular dystrophy type 2J (LGMDR10). Also called: Limb-girdle muscular dystrophy, type 2J; MUSCULAR DYSTROPHY, LIMB-GIRDLE, AUTOSOMAL RECESSIVE 10. Identifiers: Orphanet 140922, MedGen C1837342, MONDO:0012127, OMIM 608807.

Submission:

Labcorp Genetics (formerly Invitae), Labcorp
Classification: Pathogenic for Dilated cardiomyopathy 1G; Autosomal recessive limb-girdle muscular dystrophy type 2J. Last evaluated: 2022-10-04. Review status: criteria provided, single submitter. Criteria: Invitae Variant Classification Sherloc (09022015). Collection method: clinical testing. Allele origin: germline.
Comment: This variant is located in the A band of TTN (PMID: 25589632). Variants in this region may be relevant for cardiac or neuromuscular disorders (PMID: 25589632, 23975875). For these reasons, this variant has been classified as Pathogenic. This variant disrupts a region of the TTN protein in which other variant(s) (p.Gly31791Asp) have been determined to be pathogenic (PMID: 23514108, 25253871). This suggests that this is a clinically significant region of the protein, and that variants that disrupt it are likely to be disease-causing. Experimental studies and prediction algorithms are not available or were not evaluated, and the functional significance of this variant is currently unknown. This variant has not been reported in the literature in individuals affected with TTN-related conditions. This variant is not present in population databases (gnomAD no frequency). This variant, c.95370_95387del, results in the deletion of 6 amino acid(s) of the TTN protein (p.Gly31791_Ser31796del), but otherwise preserves the integrity of the reading frame.

Literature cited by the submitters: PubMed 25589632; PubMed 23975875; PubMed 23514108; PubMed 25253871.